The following is an entry in ClinVar:

NM_004281.4(BAG3):c.890C>T (p.Thr297Ile)

Gene: BAG3 (BAG cochaperone 3; plus strand). Cytogenetic location: 10q26.11.
Variant type: single nucleotide variant.
Coding change: c.890C>T on transcript NM_004281.4 (MANE Select); coding-DNA position 890, C replaced by T.
Protein change: p.Thr297Ile; replaces threonine 297 with isoleucine.
Molecular consequence: missense variant.
Genome position (GRCh38, 1-based): chr10:119,672,637, C>T. VCF-style: chr10-119672637-C-T. GRCh37 (hg19) VCF-style: chr10-121432149-C-T.
Other names: short protein forms T297I.
Identifiers: ClinVar variation 1364724 (VCV001364724.8), dbSNP rs2134065455, ClinGen allele CA378296103.

ClinVar aggregate classification (germline): Uncertain significance (1 of 4 stars; one submission).

Conditions:
Dilated cardiomyopathy 1HH (CMD1HH). Identifiers: Orphanet 154, MedGen C3151293, MONDO:0013479, OMIM 613881.
Myofibrillar myopathy 6. Identifiers: Orphanet 199340, MedGen C2751831, MONDO:0013061, OMIM 612954.

Submission:

Labcorp Genetics (formerly Invitae), Labcorp
Classification: Uncertain significance for Dilated cardiomyopathy 1HH; Myofibrillar myopathy 6. Last evaluated: 2024-01-08. Review status: criteria provided, single submitter. Criteria: Invitae Variant Classification Sherloc (09022015). Collection method: clinical testing. Allele origin: germline.
Comment: This sequence change replaces threonine, which is neutral and polar, with isoleucine, which is neutral and non-polar, at codon 297 of the BAG3 protein (p.Thr297Ile). This variant is not present in population databases (gnomAD no frequency). This variant has not been reported in the literature in individuals affected with BAG3-related conditions. ClinVar contains an entry for this variant (Variation ID: 1364724). Advanced modeling of protein sequence and biophysical properties (such as structural, functional, and spatial information, amino acid conservation, physicochemical variation, residue mobility, and thermodynamic stability) performed at Invitae indicates that this missense variant is not expected to disrupt BAG3 protein function with a negative predictive value of 80%. In summary, the available evidence is currently insufficient to determine the role of this variant in disease. Therefore, it has been classified as a Variant of Uncertain Significance.